The following is an entry in ClinVar:

ClinVar aggregate classification (germline): Conflicting classifications of pathogenicity. Review status: criteria provided, conflicting classifications (1 of 4 stars). 5 submissions from 5 submitters: Uncertain significance (4); Likely benign (1). Last evaluated 2025-08-21.

Conditions:
Juvenile polyposis syndrome (JPS). Identifiers: Orphanet 2929, MedGen C0345893, MONDO:0017380, OMIM 174900.
Hereditary cancer-predisposing syndrome. Also called: Hereditary neoplastic syndrome; Neoplastic Syndromes, Hereditary; Hereditary Cancer Syndrome; Tumor predisposition. Identifiers: Orphanet 140162, MedGen C0027672, MeSH D009386, MONDO:0015356.

Allele frequency attached by ClinVar (database versions not stated): gnomAD exomes below 0.00001; TOPMed below 0.00001.
gnomAD v4.1: 1 of 1,614,028 alleles (0.000062%); highest among the groups gnomAD compares: Non-Finnish European, 0.000085%; no homozygotes.

Submissions (5):

Quest Diagnostics Nichols Institute San Juan Capistrano
Classification: Uncertain significance. Last evaluated: 2025-08-21. Review status: criteria provided, single submitter. Criteria: Quest Diagnostics criteria. Collection method: clinical testing. Allele origin: unknown.
Comment: The BMPR1A c.424G>C (p.Val142Leu) variant has not been reported in individuals with BMPR1A-related conditions in the published literature. This variant has not been reported in large, multi-ethnic general populations (Genome Aggregation Database). Analysis of this variant using bioinformatics tools for the prediction of the effect of amino acid changes on protein structure and function yielded predictions that this variant is benign. Based on the available information, we are unable to determine the clinical significance of this variant.

Ambry Genetics
Classification: Likely benign for Hereditary cancer-predisposing syndrome. Last evaluated: 2025-03-07. Review status: criteria provided, single submitter. Criteria: Ambry Variant Classification Scheme 2023. Collection method: clinical testing. Allele origin: germline.

Labcorp Genetics (formerly Invitae), Labcorp
Classification: Uncertain significance for Juvenile polyposis syndrome. Last evaluated: 2024-08-19. Review status: criteria provided, single submitter. Criteria: Invitae Variant Classification Sherloc (09022015). Collection method: clinical testing. Allele origin: germline.
Comment: This sequence change replaces valine, which is neutral and non-polar, with leucine, which is neutral and non-polar, at codon 142 of the BMPR1A protein (p.Val142Leu). This variant is not present in population databases (gnomAD no frequency). This variant has not been reported in the literature in individuals affected with BMPR1A-related conditions. ClinVar contains an entry for this variant (Variation ID: 569170). Invitae Evidence Modeling of protein sequence and biophysical properties (such as structural, functional, and spatial information, amino acid conservation, physicochemical variation, residue mobility, and thermodynamic stability) indicates that this missense variant is not expected to disrupt BMPR1A protein function with a negative predictive value of 80%. In summary, the available evidence is currently insufficient to determine the role of this variant in disease. Therefore, it has been classified as a Variant of Uncertain Significance.

Color Diagnostics, LLC DBA Color Health
Classification: Uncertain significance for Hereditary cancer-predisposing syndrome. Last evaluated: 2024-02-04. Review status: criteria provided, single submitter. Criteria: ACMG Guidelines, 2015. Collection method: clinical testing. Allele origin: germline.
Comment: This missense variant replaces valine with leucine at codon 142 of the BMPR1A protein. Computational prediction suggests that this variant may not impact protein structure and function (internally defined REVEL score threshold <= 0.5, PMID: 27666373). To our knowledge, functional studies have not been reported for this variant. This variant has not been reported in individuals affected with BMPR1A-related disorders in the literature. This variant has not been identified in the general population by the Genome Aggregation Database (gnomAD). The available evidence is insufficient to determine the role of this variant in disease conclusively. Therefore, this variant is classified as a Variant of Uncertain Significance.

All of Us Research Program, National Institutes of Health
Classification: Uncertain significance for Juvenile polyposis syndrome. Last evaluated: 2023-11-20. Review status: criteria provided, single submitter. Criteria: ACMG Guidelines, 2015. Collection method: clinical testing. Allele origin: germline. Inheritance: Autosomal dominant inheritance. Observed: 3 variant alleles, 3 heterozygotes.
Comment: This missense variant replaces valine with leucine at codon 142 of the BMPR1A protein. Computational prediction suggests that this variant may not impact protein structure and function (internally defined REVEL score threshold <= 0.5, PMID: 27666373). To our knowledge, functional studies have not been reported for this variant. This variant has not been reported in individuals affected with BMPR1A-related disorders in the literature. This variant has not been identified in the general population by the Genome Aggregation Database (gnomAD). The available evidence is insufficient to determine the role of this variant in disease conclusively. Therefore, this variant is classified as a Variant of Uncertain Significance.

This study involves interpretation of variants in research participants for the purpose of population health screening. Participant phenotype was not available at the time of variant classification. Additional details can be found in publication PMID: 35346344, PMCID: PMC8962531

NM_004329.3(BMPR1A):c.424G>C (p.Val142Leu)

Gene: BMPR1A (bone morphogenetic protein receptor type 1A; plus strand). Cytogenetic location: 10q23.2.
Variant type: single nucleotide variant.
Coding change: c.424G>C on transcript NM_004329.3 (MANE Select); coding-DNA position 424, G replaced by C.
Protein change: p.Val142Leu; replaces valine 142 with leucine.
Molecular consequence: missense variant.
Genome position (GRCh38, 1-based): chr10:86,899,884, G>C. VCF-style: chr10-86899884-G-C. GRCh37 (hg19) VCF-style: chr10-88659641-G-C.
Other names: short protein forms V142L.
Identifiers: ClinVar variation 569170 (VCV000569170.16), dbSNP rs1564717740, ClinGen allele CA377449871.